The following is an entry in ClinVar:

NM_001904.4(CTNNB1):c.493C>G (p.Gln165Glu)

Genes: CTNNB1 (catenin beta 1; plus strand), LOC126806658 (BRD4-independent group 4 enhancer GRCh37_chr3:41265899-41267098; plus strand). Cytogenetic location: 3p22.1.
Variant type: single nucleotide variant.
Coding change: c.493C>G on transcript NM_001904.4 (MANE Select); coding-DNA position 493, C replaced by G.
Protein change: p.Gln165Glu; replaces glutamine 165 with glutamic acid.
Molecular consequence: missense variant.
Genome position (GRCh38, 1-based): chr3:41,225,205, C>G. VCF-style: chr3-41225205-C-G. GRCh37 (hg19) VCF-style: chr3-41266696-C-G.
Other names: c.493C>G, p.Gln165Glu (NM_001098209.2, NM_001098210.2); c.472C>G, p.Gln158Glu (NM_001330729.2); short protein forms Q158E, Q165E.
Identifiers: ClinVar variation 2750412 (VCV002750412.3), dbSNP rs2125621299, ClinGen allele CA352229418.

ClinVar aggregate classification (germline): Uncertain significance (1 of 4 stars; one submission).

Submission:

Labcorp Genetics (formerly Invitae), Labcorp
Classification: Uncertain significance. Last evaluated: 2024-05-20. Review status: criteria provided, single submitter. Criteria: Invitae Variant Classification Sherloc (09022015). Collection method: clinical testing. Allele origin: germline.
Comment: This sequence change replaces glutamine, which is neutral and polar, with glutamic acid, which is acidic and polar, at codon 165 of the CTNNB1 protein (p.Gln165Glu). This variant is not present in population databases (gnomAD no frequency). This variant has not been reported in the literature in individuals affected with CTNNB1-related conditions. An algorithm developed to predict the effect of missense changes on protein structure and function (PolyPhen-2) suggests that this variant is likely to be tolerated. In summary, the available evidence is currently insufficient to determine the role of this variant in disease. Therefore, it has been classified as a Variant of Uncertain Significance.